The following is an entry in ClinVar:

ClinVar aggregate classification (germline): Uncertain significance (1 of 4 stars; one submission).

Allele frequency attached by ClinVar (database versions not stated): gnomAD 0.00001; gnomAD exomes 0.00001; TOPMed 0.00002.
gnomAD v4.1: 15 of 1,613,970 alleles (0.00093%); highest among the groups gnomAD compares: Non-Finnish European, 0.0012%; no homozygotes.

Submission:

Ambry Genetics
Classification: Uncertain significance. Last evaluated: 2023-12-15. Review status: criteria provided, single submitter. Criteria: Ambry Variant Classification Scheme 2023. Collection method: clinical testing. Allele origin: germline.
Comment: The p.N23D variant (also known as c.67A>G), located in coding exon 1 of the PALLD gene, results from an A to G substitution at nucleotide position 67. The asparagine at codon 23 is replaced by aspartic acid, an amino acid with highly similar properties. This amino acid position is conserved. In addition, this alteration is predicted to be tolerated by in silico analysis. Since supporting evidence is limited at this time, the clinical significance of this alteration remains unclear.

NM_001166108.2(PALLD):c.67A>G (p.Asn23Asp)

Gene: PALLD (palladin, cytoskeletal associated protein; plus strand). Cytogenetic location: 4q32.3.
Variant type: single nucleotide variant.
Coding change: c.67A>G on transcript NM_001166108.2 (MANE Select); coding-DNA position 67, A replaced by G.
Protein change: p.Asn23Asp; replaces asparagine 23 with aspartic acid.
Molecular consequence: missense variant.
Genome position (GRCh38, 1-based): chr4:168,511,571, A>G. VCF-style: chr4-168511571-A-G. GRCh37 (hg19) VCF-style: chr4-169432722-A-G.
Other names: c.67A>G, p.Asn23Asp (NM_016081.4); short protein forms N23D.
Identifiers: ClinVar variation 1755499 (VCV001755499.2), dbSNP rs1441118500, ClinGen allele CA358724242.
Genomic context (GRCh38, chr4:168,511,571, plus strand): 5'-GGGACCTCCTCCCATGAGTCCTTCTATGACTCCCTCTCAGACATGCAGGAAGAAAGCAAG[A>G]ATACTGACTTCTTCCCGGGCCTTTCTGCTTTCCTCAGCCAGGAAGAGATAAACAAGAGTC-3'
Protein context (NP_001159580.1, residues 13-33): SLSDMQEESK[Asn23Asp]TDFFPGLSAF